The following is an entry in ClinVar:

NM_001368809.2(AMPD2):c.2124C>T (p.Ser708=)

Gene: AMPD2 (adenosine monophosphate deaminase 2; plus strand). Cytogenetic location: 1p13.3.
Variant type: single nucleotide variant.
Coding change: c.2124C>T on transcript NM_001368809.2 (MANE Select); coding-DNA position 2124, C replaced by T.
Protein change: p.Ser708=; no amino-acid change (serine 708 retained).
Molecular consequence: synonymous variant.
Genome position (GRCh38, 1-based): chr1:109,630,373, C>T. VCF-style: chr1-109630373-C-T. GRCh37 (hg19) VCF-style: chr1-110172995-C-T.
Other names: c.2286C>T (NM_001257360.1); c.1932C>T, p.Ser644= (NM_001257361.2); c.2061C>T, p.Ser687= (NM_001308170.1); c.2124C>T, p.Ser708= (NM_004037.9); c.2043C>T, p.Ser681= (NM_139156.4).
Identifiers: ClinVar variation 1109818 (VCV001109818.10), dbSNP rs147146700, ClinGen allele CA993280.
Genomic context (GRCh38, chr1:109,630,373, plus strand): 5'-CAGCTATCACCGGAATCCGCTACCGGAGTACCTGTCCCGCGGCCTCATGGTCTCCCTGTC[C>T]ACTGATGATCCCTTGCAGTTCCACTTCACCAAGGTCAGAGCCCAGCAGGCAGCCAGGCGG-3'
Protein context (NP_001355738.1, residues 698-718): YLSRGLMVSL[Ser708=]TDDPLQFHFT

ClinVar aggregate classification (germline): Likely benign. Review status: criteria provided, multiple submitters, no conflicts (2 of 4 stars). 4 submissions from 3 submitters: Likely benign (4). Last evaluated 2026-01-12.

Conditions:
Pontocerebellar hypoplasia type 9. Identifiers: Orphanet 369920, MedGen C4014354, MONDO:0014351, OMIM 615809.
Hereditary spastic paraplegia 63. Also called: Spastic paraplegia 63, autosomal recessive. Identifiers: Orphanet 401805, MedGen C3810295, MONDO:0014305, OMIM 615686.

Allele frequency attached by ClinVar (database versions not stated): gnomAD exomes 0.00004 and 0.00016; gnomAD 0.00031 and 0.00032; 1000 Genomes Project 0.00080; ESP Exome Variant Server 0.00038; 1000 Genomes Project 30x 0.00078; ExAC 0.00014; TOPMed 0.00040.
gnomAD v4.1: 121 of 1,613,580 alleles (0.0075%); highest among the groups gnomAD compares: African/African-American, 0.1%; no homozygotes.

Submissions (4):

Labcorp Genetics (formerly Invitae), Labcorp
Classification: Likely benign for Pontocerebellar hypoplasia type 9; Hereditary spastic paraplegia 63. Last evaluated: 2026-01-12. Review status: criteria provided, single submitter. Criteria: Invitae Variant Classification Sherloc (09022015). Collection method: clinical testing. Allele origin: germline.

Genome-Nilou Lab
Classification: Likely benign for Hereditary spastic paraplegia 63. Last evaluated: 2023-04-11. Review status: criteria provided, single submitter. Criteria: ACMG Guidelines, 2015. Collection method: clinical testing. Allele origin: germline. Affected: no.

Genome-Nilou Lab
Classification: Likely benign for Pontocerebellar hypoplasia type 9. Last evaluated: 2023-04-11. Review status: criteria provided, single submitter. Criteria: ACMG Guidelines, 2015. Collection method: clinical testing. Allele origin: germline. Affected: no.

GeneDx
Classification: Likely benign. Last evaluated: 2018-08-23. Review status: criteria provided, single submitter. Criteria: GeneDx Variant Classification Process June 2021. Collection method: clinical testing. Allele origin: germline. Affected: yes.
Comment: See Variant Classification Assertion Criteria.